The following is an entry in ClinVar:

ClinVar aggregate classification (germline): Conflicting classifications of pathogenicity. Review status: criteria provided, conflicting classifications (1 of 4 stars). 4 submissions from 4 submitters: Uncertain significance (3); Likely benign (1). Last evaluated 2024-12-23.

Conditions:
FANCL-related disorder. Also called: FANCL-related condition.
Fanconi anemia complementation group L (FANCL). Also called: FANCL-Related Fanconi Anemia. Identifiers: Orphanet 84, MedGen C3469528, MONDO:0013566, OMIM 614083.
Fanconi anemia (FA). Also called: Fanconi's anemia. Identifiers: Orphanet 84, MedGen C0015625, MeSH D005199, MONDO:0019391.

Allele frequency attached by ClinVar (database versions not stated): gnomAD exomes 0.00013 and 0.00025; TOPMed 0.00015; 1000 Genomes Project 30x 0.00016; gnomAD 0.00018 and 0.00021; 1000 Genomes Project 0.00020; ExAC 0.00034.
gnomAD v4.1: 235 of 1,614,080 alleles (0.015%); highest among the groups gnomAD compares: South Asian, 0.14%; 1 homozygote.

Submissions (4):

Labcorp Genetics (formerly Invitae), Labcorp
Classification: Uncertain significance for Fanconi anemia. Last evaluated: 2024-12-23. Review status: criteria provided, single submitter. Criteria: Invitae Variant Classification Sherloc (09022015). Collection method: clinical testing. Allele origin: germline.
Comment: This sequence change replaces isoleucine, which is neutral and non-polar, with valine, which is neutral and non-polar, at codon 194 of the FANCL protein (p.Ile194Val). This variant is present in population databases (rs542006141, gnomAD 0.2%). This variant has not been reported in the literature in individuals affected with FANCL-related conditions. ClinVar contains an entry for this variant (Variation ID: 840033). Invitae Evidence Modeling of protein sequence and biophysical properties (such as structural, functional, and spatial information, amino acid conservation, physicochemical variation, residue mobility, and thermodynamic stability) indicates that this missense variant is not expected to disrupt FANCL protein function with a negative predictive value of 80%. In summary, the available evidence is currently insufficient to determine the role of this variant in disease. Therefore, it has been classified as a Variant of Uncertain Significance.

PreventionGenetics, part of Exact Sciences
Classification: Likely benign for FANCL-related condition. Last evaluated: 2024-11-22. Review status: criteria provided, single submitter. Criteria: ACMG Guidelines, 2015. Collection method: clinical testing. Allele origin: germline.
Comment: This variant is classified as likely benign based on ACMG/AMP sequence variant interpretation guidelines (Richards et al. 2015 PMID: 25741868, with internal and published modifications).

Fulgent Genetics
Classification: Uncertain significance for Fanconi anemia complementation group L. Last evaluated: 2024-05-09. Review status: criteria provided, single submitter. Criteria: ACMG Guidelines, 2015. Collection method: clinical testing. Allele origin: germline.

Sema4
Classification: Uncertain significance for Fanconi anemia. Last evaluated: 2022-01-12. Review status: criteria provided, single submitter. Criteria: Sema4 Curation Guidelines. Collection method: curation. Allele origin: germline.
Comment: The FANCL c.580A>G (p.I194V) variant has not been reported in the literature to our knowledge. This variant was observed in 68/282780 chromosomes across the large and broad cohorts of the Genome Aggregation Database (PMID: 32461654). This variant has been reported in ClinVar (Variation ID 840033). In silico tools suggest the impact of the variant on protein function is benign, though these predictions have not been confirmed by functional studies. The overall evidence is insufficient to meet ACMG/AMP criteria for classifying it as benign or pathogenic. In summary, the clinical significance of this variant is currently uncertain.

NM_018062.4(FANCL):c.580A>G (p.Ile194Val)

Gene: FANCL (FA complementation group L; minus strand). Cytogenetic location: 2p16.1.
Variant type: single nucleotide variant.
Coding change: c.580A>G on transcript NM_018062.4 (MANE Select); coding-DNA position 580, A replaced by G.
Protein change: p.Ile194Val; replaces isoleucine 194 with valine.
Molecular consequence: missense variant.
Genome position (GRCh38, 1-based): chr2:58,165,835, T>C on the plus strand (A>G on the coding strand, the complement: FANCL is on the minus strand). VCF-style: chr2-58165835-T-C. GRCh37 (hg19) VCF-style: chr2-58392970-T-C.
Other names: c.595A>G, p.Ile199Val (NM_001114636.2); c.625A>G, p.Ile209Val (NM_001374615.1); c.640A>G, p.Ile214Val (NM_001410792.1); short protein forms I209V, I199V, I194V, I214V.
Identifiers: ClinVar variation 840033 (VCV000840033.10), dbSNP rs542006141, ClinGen allele CA1670546.
Genomic context (GRCh38, chr2:58,165,835, plus strand): 5'-GTACCCAGGTCTTCTCATCGATTTCATCCATAACATCCCAGAATGCCTTTAGTGATTCTA[T>C]TGCTGCCAAAAACTGACTATAAATGCTTATTAAGGAGCTCTGTGAAAAAAATGAAAGTTG-3'
Protein context (NP_060532.2, residues 184-204): ISIYSQFLAA[Ile194Val]ESLKAFWDVM